The following is an entry in ClinVar:

NM_015512.5(DNAH1):c.2301-1G>T

Gene: DNAH1 (dynein axonemal heavy chain 1; plus strand). Cytogenetic location: 3p21.1.
Variant type: single nucleotide variant.
Coding change: c.2301-1G>T on transcript NM_015512.5 (MANE Select); the canonical splice acceptor site of the intron before coding-DNA position 2301, G replaced by T.
Molecular consequence: splice acceptor variant.
Genome position (GRCh38, 1-based): chr3:52,349,194, G>T. VCF-style: chr3-52349194-G-T. GRCh37 (hg19) VCF-style: chr3-52383210-G-T.
Identifiers: ClinVar variation 4793191 (VCV004793191.1).

ClinVar aggregate classification (germline): Likely pathogenic (1 of 4 stars; one submission).

Conditions:
Spermatogenic failure 18. Identifiers: MedGen C4539783, MONDO:0054615, OMIM 617576.
Ciliary dyskinesia, primary, 37 (CILD37). Also called: CILIARY DYSKINESIA, PRIMARY, 37, WITH OR WITHOUT SITUS INVERSUS. Identifiers: MedGen C4539798, MONDO:0033204, OMIM 617577.

gnomAD v4.1: 1 of 1,613,264 alleles (0.000062%); highest among the groups gnomAD compares: East Asian, 0.0022%; no homozygotes.

Submission:

Labcorp Genetics (formerly Invitae), Labcorp
Classification: Likely pathogenic for Ciliary dyskinesia, primary, 37; Spermatogenic failure 18. Last evaluated: 2025-08-17. Review status: criteria provided, single submitter. Criteria: Invitae Variant Classification Sherloc (09022015). Collection method: clinical testing. Allele origin: germline.
Comment: This sequence change affects an acceptor splice site in intron 13 of the DNAH1 gene. It is expected to disrupt RNA splicing. Variants that disrupt the donor or acceptor splice site typically lead to a loss of protein function (PMID: 16199547), and loss-of-function variants in DNAH1 are known to be pathogenic (PMID: 27573432, 27798045). This variant is present in population databases (no rsID available, gnomAD 0.006%). Disruption of this splice site has been observed in individual(s) with multiple morphological abnormalities of sperm flagella (PMID: 37302001). Algorithms developed to predict the effect of sequence changes on RNA splicing suggest that this variant may disrupt the consensus splice site. In summary, the currently available evidence indicates that the variant is pathogenic, but additional data are needed to prove that conclusively. Therefore, this variant has been classified as Likely Pathogenic.

Literature cited by the submitters: PubMed 16199547; PubMed 27573432; PubMed 27798045; PubMed 37302001.